The following is an entry in ClinVar:

NM_017841.4(SDHAF2):c.273A>G (p.Lys91=)

Gene: SDHAF2 (succinate dehydrogenase complex assembly factor 2; plus strand). Cytogenetic location: 11q12.2.
Variant type: single nucleotide variant.
Coding change: c.273A>G on transcript NM_017841.4 (MANE Select); coding-DNA position 273, A replaced by G.
Protein change: p.Lys91=; no amino-acid change (lysine 91 retained).
Molecular consequence: synonymous variant.
Genome position (GRCh38, 1-based): chr11:61,438,016, A>G. VCF-style: chr11-61438016-A-G. GRCh37 (hg19) VCF-style: chr11-61205488-A-G.
Identifiers: ClinVar variation 2080154 (VCV002080154.8), dbSNP rs147928545, ClinGen allele CA058337.
Genomic context (GRCh38, chr11:61,438,016, plus strand): 5'-GACACAGCCTTCTCAACCTCTTTTTCTTTTTTTCTTTCTTGTTTTTAGTCTTTTTGCTAA[A>G]GAACATCTGCAGCACATGACAGAAAAGCAGCTGAACCTCTATGACCGCCTGATTAACGAG-3'
Protein context (NP_060311.1, residues 81-101): ENCILLSLFA[Lys91=]EHLQHMTEKQ

ClinVar aggregate classification (germline): Benign/Likely benign. Review status: criteria provided, multiple submitters, no conflicts (2 of 4 stars). 4 submissions from 4 submitters: Benign (1); Likely benign (3). Last evaluated 2026-08-05.

Conditions:
Hereditary cancer-predisposing syndrome. Also called: Neoplastic Syndromes, Hereditary; Tumor predisposition; Hereditary Cancer Syndrome; Hereditary neoplastic syndrome. Identifiers: Orphanet 140162, MedGen C0027672, MeSH D009386, MONDO:0015356.
Pheochromocytoma/paraganglioma syndrome 2. Also called: SDHAF2-Related Hereditary Paraganglioma-Pheochromocytoma Syndrome; GLOMUS TUMORS, FAMILIAL, 2; Paragangliomas 2; SDHAF2-Related Hereditary Paraganglioma-Pheochromocytoma Syndrome (Paragangliomas 2). Identifiers: Orphanet 29072, MedGen C1866552, MONDO:0011121, OMIM 601650.
Hereditary pheochromocytoma and paraganglioma. Also called: Hereditary paragangliomas and pheochromocytomas; Hereditary Paraganglioma-Pheochromocytoma Syndromes; Hereditary pheochromocytoma-paraganglioma. Identifiers: Orphanet 29072, MedGen C4274332, MONDO:0017366.

Allele frequency attached by ClinVar (database versions not stated): ExAC 0.00002; ESP Exome Variant Server 0.00008.

Submissions (4):

Myriad Genetics, Inc.
Classification: Benign for Pheochromocytoma/paraganglioma syndrome 2. Last evaluated: 2026-08-05. Review status: criteria provided, single submitter. Criteria: Myriad Autosomal Dominant, Autosomal Recessive and X-Linked Classification Criteria (2023). Collection method: clinical testing. Allele origin: unknown.
Comment: This variant is considered benign. This variant is a silent/synonymous amino acid change and it is not expected to impact splicing.

Color Diagnostics, LLC DBA Color Health
Classification: Likely benign for Hereditary pheochromocytoma and paraganglioma. Last evaluated: 2025-08-14. Review status: criteria provided, single submitter. Criteria: ACMG Guidelines, 2015. Collection method: clinical testing. Allele origin: germline.

Labcorp Genetics (formerly Invitae), Labcorp
Classification: Likely benign for Hereditary pheochromocytoma and paraganglioma. Last evaluated: 2025-07-23. Review status: criteria provided, single submitter. Criteria: Invitae Variant Classification Sherloc (09022015). Collection method: clinical testing. Allele origin: germline.

Ambry Genetics
Classification: Likely benign for Hereditary cancer-predisposing syndrome. Last evaluated: 2023-02-24. Review status: criteria provided, single submitter. Criteria: Ambry Variant Classification Scheme 2023. Collection method: clinical testing. Allele origin: germline.